The following is an entry in ClinVar:

NM_003072.5(SMARCA4):c.1720G>A (p.Ala574Thr)

Gene: SMARCA4 (SWI/SNF related BAF chromatin remodeling complex subunit ATPase 4; plus strand). Cytogenetic location: 19p13.2.
Variant type: single nucleotide variant.
Coding change: c.1720G>A on transcript NM_003072.5 (MANE Select); coding-DNA position 1720, G replaced by A.
Protein change: p.Ala574Thr; replaces alanine 574 with threonine.
Molecular consequence: missense variant. On other transcripts: non-coding transcript variant (1).
Genome position (GRCh38, 1-based): chr19:10,996,339, G>A. VCF-style: chr19-10996339-G-A. GRCh37 (hg19) VCF-style: chr19-11107015-G-A.
Other names: c.1720G>A (NM_001128849.1); c.1720G>A, p.Ala574Thr (NM_001128844.3, NM_001128845.2, NM_001128846.2 and 6 more transcripts); short protein forms A574T.
Identifiers: ClinVar variation 3636851 (VCV003636851.3).

ClinVar aggregate classification (germline): Uncertain significance. Review status: criteria provided, multiple submitters, no conflicts (2 of 4 stars). 2 submissions from 2 submitters: Uncertain significance (2). Last evaluated 2026-07-06.

Conditions:
Rhabdoid tumor predisposition syndrome 2 (RTPS2). Identifiers: Orphanet 231108, Orphanet 69077, MedGen C2750074, MONDO:0013224, OMIM 613325.
Hereditary cancer-predisposing syndrome. Also called: Hereditary neoplastic syndrome; Neoplastic Syndromes, Hereditary; Tumor predisposition; Hereditary Cancer Syndrome. Identifiers: Orphanet 140162, MedGen C0027672, MeSH D009386, MONDO:0015356.

Submissions (2):

Ambry Genetics
Classification: Uncertain significance for Hereditary cancer-predisposing syndrome. Last evaluated: 2026-07-06. Review status: criteria provided, single submitter. Criteria: Ambry Variant Classification Scheme 2023. Collection method: clinical testing. Allele origin: germline.
Comment: The p.A574T variant (also known as c.1720G>A), located in coding exon 9 of the SMARCA4 gene, results from a G to A substitution at nucleotide position 1720. The alanine at codon 574 is replaced by threonine, an amino acid with similar properties. This amino acid position is conserved. In addition, this alteration is predicted to be tolerated by in silico analysis. Based on the available evidence, the clinical significance of this variant remains unclear.

Labcorp Genetics (formerly Invitae), Labcorp
Classification: Uncertain significance for Rhabdoid tumor predisposition syndrome 2. Last evaluated: 2024-08-18. Review status: criteria provided, single submitter. Criteria: Invitae Variant Classification Sherloc (09022015). Collection method: clinical testing. Allele origin: germline.
Comment: This sequence change replaces alanine, which is neutral and non-polar, with threonine, which is neutral and polar, at codon 574 of the SMARCA4 protein (p.Ala574Thr). This variant is not present in population databases (gnomAD no frequency). This variant has not been reported in the literature in individuals affected with SMARCA4-related conditions. Invitae Evidence Modeling of protein sequence and biophysical properties (such as structural, functional, and spatial information, amino acid conservation, physicochemical variation, residue mobility, and thermodynamic stability) indicates that this missense variant is not expected to disrupt SMARCA4 protein function with a negative predictive value of 95%. In summary, the available evidence is currently insufficient to determine the role of this variant in disease. Therefore, it has been classified as a Variant of Uncertain Significance.